The following is an entry in ClinVar:

ClinVar aggregate classification (germline): Uncertain significance (1 of 4 stars; one submission).

Conditions:
Dyskeratosis congenita, autosomal dominant 6 (DKCA6). Identifiers: Orphanet 3322, MedGen C4225284, MONDO:0014690, OMIM 616553.

Submission:

Labcorp Genetics (formerly Invitae), Labcorp
Classification: Uncertain significance for Dyskeratosis congenita, autosomal dominant 6. Last evaluated: 2023-09-24. Review status: criteria provided, single submitter. Criteria: Invitae Variant Classification Sherloc (09022015). Collection method: clinical testing. Allele origin: germline.
Comment: This sequence change falls in intron 7 of the ACD gene. It does not directly change the encoded amino acid sequence of the ACD protein. This variant is not present in population databases (gnomAD no frequency). This variant has not been reported in the literature in individuals affected with ACD-related conditions. Algorithms developed to predict the effect of sequence changes on RNA splicing suggest that this variant may create or strengthen a splice site. In summary, the available evidence is currently insufficient to determine the role of this variant in disease. Therefore, it has been classified as a Variant of Uncertain Significance.

NM_001082486.2(ACD):c.645+10G>C

Gene: ACD (ACD shelterin complex subunit and telomerase recruitment factor; minus strand). Cytogenetic location: 16q22.1.
Variant type: single nucleotide variant.
Coding change: c.645+10G>C on transcript NM_001082486.2 (MANE Select); 10 bases into the intron after coding-DNA position 645, G replaced by C.
Molecular consequence: intron variant.
Genome position (GRCh38, 1-based): chr16:67,658,918, C>G on the plus strand (G>C on the coding strand, the complement: ACD is on the minus strand). VCF-style: chr16-67658918-C-G. GRCh37 (hg19) VCF-style: chr16-67692821-C-G.
Other names: c.636+10G>C (NM_022914.3); c.645+10G>C (NM_001410884.1).
Identifiers: ClinVar variation 2749827 (VCV002749827.3), dbSNP rs971678149, ClinGen allele CA2697555919.
Genomic context (GRCh38, chr16:67,658,918, plus strand): 5'-ATGTCCTGTGGGATATGACCCTTGCCCAACTCCTCACCCTGACATCTCCCAAGCAAATCC[C>G]CAGACTGACCGTGGCCTTGCATCGTGAGGCAGCCCAGTGGGTGACAGGGGGTGCTGTGCA-3'